The following is an entry in ClinVar:

ClinVar aggregate classification (germline): Uncertain significance. Review status: criteria provided, single submitter (1 of 4 stars). 2 submissions from 2 submitters: Uncertain significance (1). 1 of the submissions does not count toward it. Last evaluated 2024-08-05.

Conditions:
KANK1-related disorder. Also called: KANK1-related condition.

Allele frequency attached by ClinVar (database versions not stated): TOPMed below 0.00001.

Submissions (2):

Labcorp Genetics (formerly Invitae), Labcorp
Classification: Uncertain significance. Last evaluated: 2024-08-05. Review status: criteria provided, single submitter. Criteria: Invitae Variant Classification Sherloc (09022015). Collection method: clinical testing. Allele origin: germline.
Comment: This sequence change replaces arginine, which is basic and polar, with tryptophan, which is neutral and slightly polar, at codon 399 of the KANK1 protein (p.Arg399Trp). This variant is present in population databases (rs779925842, gnomAD 0.004%). This variant has not been reported in the literature in individuals affected with KANK1-related conditions. Advanced modeling of protein sequence and biophysical properties (such as structural, functional, and spatial information, amino acid conservation, physicochemical variation, residue mobility, and thermodynamic stability) performed at Invitae indicates that this missense variant is expected to disrupt KANK1 protein function with a positive predictive value of 80%. In summary, the available evidence is currently insufficient to determine the role of this variant in disease. Therefore, it has been classified as a Variant of Uncertain Significance.

PreventionGenetics, part of Exact Sciences
Classification: Uncertain significance for KANK1-related condition. Last evaluated: 2023-11-02. Review status: no assertion criteria provided. Collection method: clinical testing. Allele origin: germline. Not counted in ClinVar's aggregate classification.
Comment: The KANK1 c.1195C>T variant is predicted to result in the amino acid substitution p.Arg399Trp. To our knowledge, this variant has not been reported in the literature. This variant is reported in 0.0046% of alleles in individuals of European (Finnish) descent in gnomAD. At this time, the clinical significance of this variant is uncertain due to the absence of conclusive functional and genetic evidence.

NM_015158.5(KANK1):c.1195C>T (p.Arg399Trp)

Gene: KANK1 (KN motif and ankyrin repeat domains 1; plus strand). Cytogenetic location: 9p24.3.
Variant type: single nucleotide variant.
Coding change: c.1195C>T on transcript NM_015158.5 (MANE Select); coding-DNA position 1195, C replaced by T.
Protein change: p.Arg399Trp; replaces arginine 399 with tryptophan.
Molecular consequence: missense variant. On other transcripts: non-coding transcript variant (1).
Genome position (GRCh38, 1-based): chr9:711,961, C>T. VCF-style: chr9-711961-C-T. GRCh37 (hg19) VCF-style: chr9-711961-C-T.
Other names: c.1195C>T (NM_015158.3); c.1195C>T, p.Arg399Trp (NM_001354332.2, NM_001354334.2, NM_001256876.3 and 2 more transcripts); c.721C>T, p.Arg241Trp (NM_001354333.2, NM_001354335.2, NM_001354336.2 and 9 more transcripts); short protein forms R241W, R399W.
Identifiers: ClinVar variation 2991130 (VCV002991130.5), dbSNP rs779925842, ClinGen allele CA187836871.